The following is an entry in ClinVar:

NM_058172.6(ANTXR2):c.*5547T>C

Gene: ANTXR2 (ANTXR cell adhesion molecule 2; minus strand). Cytogenetic location: 4q21.21.
Variant type: single nucleotide variant.
Coding change: c.*5547T>C on transcript NM_058172.6 (MANE Select); 5547 bases downstream of the stop codon, T replaced by C.
Molecular consequence: 3 prime UTR variant.
Genome position (GRCh38, 1-based): chr4:79,901,882, A>G on the plus strand (T>C on the coding strand, the complement: ANTXR2 is on the minus strand). VCF-style: chr4-79901882-A-G. GRCh37 (hg19) VCF-style: chr4-80823036-A-G.
Other names: c.*5547T>C (NM_001286780.2, NM_001286781.2).
Identifiers: ClinVar variation 905312 (VCV000905312.4), dbSNP rs114779758, ClinGen allele CA100488091.

ClinVar aggregate classification (germline): Benign (1 of 4 stars; one submission).

Conditions:
Hyaline fibromatosis syndrome (HFS). Also called: Hyalinosis, Inherited Systemic; HYALINOSIS, SYSTEMIC. Identifiers: Orphanet 2028, Orphanet 498474, MedGen C5574677, MONDO:0009229, OMIM 228600.

Allele frequency attached by ClinVar (database versions not stated): 1000 Genomes Project 30x 0.00547; gnomAD 0.00565 and 0.00613; TOPMed 0.00613; 1000 Genomes Project 0.00619.

Submission:

Illumina Laboratory Services, Illumina
Classification: Benign for Hyaline fibromatosis syndrome. Last evaluated: 2018-01-13. Review status: criteria provided, single submitter. Criteria: ICSL Variant Classification Criteria 13 December 2019. Collection method: clinical testing. Allele origin: germline.
Comment: This variant was observed in the ICSL laboratory as part of a predisposition screen in an ostensibly healthy population. It had not been previously curated by ICSL or reported in the Human Gene Mutation Database (HGMD: prior to June 1st, 2018), and was therefore a candidate for classification through an automated scoring system. Utilizing variant allele frequency, disease prevalence and penetrance estimates, and inheritance mode, an automated score was calculated to assess if this variant is too frequent to cause the disease. Based on the score and internal cut-off values, a variant classified as benign is not then subjected to further curation. The score for this variant resulted in a classification of benign for this disease.